The following is an entry in ClinVar:

ClinVar aggregate classification (germline): Uncertain significance (1 of 4 stars; one submission).

Allele frequency attached by ClinVar (database versions not stated): gnomAD exomes below 0.00001; ExAC 0.00001; TOPMed 0.00001.
gnomAD v4.1: 3 of 1,611,500 alleles (0.00019%); highest among the groups gnomAD compares: Admixed American, 0.005%; no homozygotes.

Submission:

Labcorp Genetics (formerly Invitae), Labcorp
Classification: Uncertain significance. Last evaluated: 2022-02-09. Review status: criteria provided, single submitter. Criteria: Invitae Variant Classification Sherloc (09022015). Collection method: clinical testing. Allele origin: germline.
Comment: This sequence change replaces alanine, which is neutral and non-polar, with serine, which is neutral and polar, at codon 318 of the CERKL protein (p.Ala318Ser). This variant is present in population databases (rs746847914, gnomAD 0.009%). This variant has not been reported in the literature in individuals affected with CERKL-related conditions. Algorithms developed to predict the effect of missense changes on protein structure and function are either unavailable or do not agree on the potential impact of this missense change (SIFT: "Tolerated"; PolyPhen-2: "Possibly Damaging"; Align-GVGD: "Class C0"). In summary, the available evidence is currently insufficient to determine the role of this variant in disease. Therefore, it has been classified as a Variant of Uncertain Significance.

NM_201548.5(CERKL):c.874G>T (p.Ala292Ser)

Gene: CERKL (CERK like autophagy regulator; minus strand). Cytogenetic location: 2q31.3.
Variant type: single nucleotide variant.
Coding change: c.874G>T on transcript NM_201548.5 (MANE Select); coding-DNA position 874, G replaced by T.
Protein change: p.Ala292Ser; replaces alanine 292 with serine.
Molecular consequence: missense variant. On other transcripts: non-coding transcript variant (2).
Genome position (GRCh38, 1-based): chr2:181,549,655, C>A on the plus strand (G>T on the coding strand, the complement: CERKL is on the minus strand). VCF-style: chr2-181549655-C-A. GRCh37 (hg19) VCF-style: chr2-182414382-C-A.
Other names: c.952G>T, p.Ala318Ser (NM_001030311.3); c.535G>T, p.Ala179Ser (NM_001030312.3); c.667G>T, p.Ala223Ser (NM_001030313.3); c.*156G>T (NM_001030314.1, NM_001030315.1); c.820G>T, p.Ala274Ser (NM_001160277.2); short protein forms A223S, A179S, A274S, A292S, A318S.
Identifiers: ClinVar variation 2167788 (VCV002167788.1), dbSNP rs746847914, ClinGen allele CA2010635.